The following is an entry in ClinVar:

ClinVar aggregate classification (germline): Pathogenic (1 of 4 stars; one submission).

Conditions:
Hereditary breast ovarian cancer syndrome. Also called: Hereditary breast and ovarian cancer; Hereditary breast and ovarian cancer syndrome (HBOC); Hereditary breast and ovarian cancer syndrome; BRCA1- and BRCA2-Associated Hereditary Breast and Ovarian Cancer; Hereditary breast and/or ovarian cancer syndrome; Breast and ovarian cancer. Identifiers: Orphanet 145, MedGen C0677776, MeSH D061325, MONDO:0003582. Disease mechanism: loss of function.

Submission:

Women's Health and Genetics/Laboratory Corporation of America, LabCorp
Classification: Pathogenic for Hereditary breast ovarian cancer syndrome. Last evaluated: 2021-03-09. Review status: criteria provided, single submitter. Criteria: LabCorp Variant Classification Summary - May 2015. Collection method: clinical testing. Allele origin: germline.
Comment: Variant summary: The variant identified by MLPA or other technology involves the deletion of exon 19 in the BRCA1 gene (28 amino acids), which removes part of the BRCT domain. A presumed nomenclature of c.(5193+1_5194-1)_(5277+1_5278-1)del has been designated for the purposes of this classification. Although exact breakpoints of this deletion are not known, it is expected to result in a large in-frame deletion change in the BRCA1 gene, a known mechanism of disease. The variant was absent in 21694 control chromosomes (gnomAD, Structural Variants dataset). Deletion of exon 19 (also described as deletion of exon 20 by alternative exon numbering) has been reported in the literature in multiple individuals and families affected with Hereditary Breast And Ovarian Cancer Syndrome (e.g. Montagna_2003, Vasickova_2007, Engert_2008, Rebbeck_2018). These data indicate that the variant is very likely to be associated with disease. Three ClinVar submitters (evaluation after 2014) cite the variant as pathogenic. Based on the evidence outlined above, the variant was classified as pathogenic.

Literature cited by the submitters: PubMed 24667779; PubMed 18431737; PubMed 12700174; PubMed 17561994; PubMed 29446198; PubMed 24569164.

NC_000017.10:g.(41203135_41209068)_(41209153_41215349)del

Gene: BRCA1 (BRCA1 DNA repair associated; minus strand). Cytogenetic location: 17q21.31.
Variant type: Deletion.
Identifiers: ClinVar variation 1027624 (VCV001027624.1).